The following is an entry in ClinVar:

NM_182961.4(SYNE1):c.26095-294T>C

Gene: SYNE1 (spectrin repeat containing nuclear envelope protein 1; minus strand). Cytogenetic location: 6q25.2.
Variant type: single nucleotide variant.
Coding change: c.26095-294T>C on transcript NM_182961.4 (MANE Select); 294 bases into the intron before coding-DNA position 26095, T replaced by C.
Molecular consequence: intron variant.
Genome position (GRCh38, 1-based): chr6:152,131,072, A>G on the plus strand (T>C on the coding strand, the complement: SYNE1 is on the minus strand). VCF-style: chr6-152131072-A-G. GRCh37 (hg19) VCF-style: chr6-152452207-A-G.
Other names: c.25951-294T>C (NM_033071.5); c.2700+1050T>C (NM_001347701.2); c.2629-294T>C (NM_001347702.2).
Identifiers: ClinVar variation 672734 (VCV000672734.1), dbSNP rs114681614, ClinGen allele CA150160165.
Genomic context (GRCh38, chr6:152,131,072, plus strand): 5'-ACTATGGTGGGCATAATTCTCATGGCTTTTCATGGTAGAAACACATGTGTATATTTACAT[A>G]CAATAAATGTAAAATGCACTATGCCATATCACATATTTCAAAGACACTTAATATATTTTT-3'

ClinVar aggregate classification (germline): Likely benign (1 of 4 stars; one submission).

Allele frequency attached by ClinVar (database versions not stated): 1000 Genomes Project 0.00499; 1000 Genomes Project 30x 0.00547; gnomAD 0.00807 and 0.00876; TOPMed 0.00930.
gnomAD v4.1: 1,213 of 152,342 alleles (0.8%); highest among the groups gnomAD compares: African/African-American, 2.8%; 21 homozygotes.

Submission:

GeneDx
Classification: Likely benign. Last evaluated: 2018-06-14. Review status: criteria provided, single submitter. Criteria: GeneDx Variant Classification (06012015). Collection method: clinical testing. Allele origin: germline. Affected: yes.
Comment: This variant is considered likely benign or benign based on one or more of the following criteria: it is a conservative change, it occurs at a poorly conserved position in the protein, it is predicted to be benign by multiple in silico algorithms, and/or has population frequency not consistent with disease.